The following is an entry in ClinVar:

ClinVar aggregate classification (germline): Pathogenic/Likely pathogenic. Review status: criteria provided, multiple submitters, no conflicts (2 of 4 stars). 4 submissions from 4 submitters: Pathogenic (2); Likely pathogenic (1). 1 of the submissions does not count toward it. Last evaluated 2025-11-01.

Conditions:
Hypertrophic cardiomyopathy 4. Also called: Familial hypertrophic cardiomyopathy 4. Identifiers: MedGen C1861862, MONDO:0007268, OMIM 115197.
Cardiovascular phenotype. Identifiers: MedGen CN230736.

Submissions (4):

CeGaT Center for Human Genetics Tuebingen
Classification: Pathogenic. Last evaluated: 2025-11-01. Review status: criteria provided, single submitter. Criteria: CeGaT Center For Human Genetics Tuebingen Variant Classification Criteria Version 2. Collection method: clinical testing. Allele origin: germline. Affected: yes. Observed: 2 variant alleles.
Comment: MYBPC3: PVS1, PM2

Ambry Genetics
Classification: Pathogenic for Cardiovascular phenotype. Last evaluated: 2025-05-26. Review status: criteria provided, single submitter. Criteria: Ambry Variant Classification Scheme 2023. Collection method: clinical testing. Allele origin: germline.
Comment: The c.1652_1656delTCGCA pathogenic mutation, located in coding exon 18 of the MYBPC3 gene, results from a deletion of 5 nucleotides at nucleotide positions 1652 to 1656, causing a translational frameshift with a predicted alternate stop codon (p.I551Rfs*15). This variant is considered to be rare based on population cohorts in the Genome Aggregation Database (gnomAD). This alteration is expected to result in loss of function by premature protein truncation or nonsense-mediated mRNA decay. As such, this alteration is interpreted as a disease-causing mutation.

KardioGenetik, Herz- und Diabeteszentrum NRW
Classification: Likely pathogenic for Hypertrophic cardiomyopathy 4. Last evaluated: 2023-07-04. Review status: criteria provided, single submitter. Criteria: ACMG Guidelines, 2015. Collection method: clinical testing. Allele origin: unknown.

Institute of Human Genetics, University of Wuerzburg
Classification: Pathogenic for Hypertrophic cardiomyopathy 4. Review status: no assertion criteria provided. Collection method: clinical testing. Allele origin: unknown. Affected: yes. Observed: 1 variant allele. Not counted in ClinVar's aggregate classification.

NM_000256.3(MYBPC3):c.1652_1656del (p.Ile551fs)

Gene: MYBPC3 (myosin binding protein C3; minus strand). Cytogenetic location: 11p11.2.
Variant type: Deletion.
Coding change: c.1652_1656del on transcript NM_000256.3 (MANE Select); coding-DNA positions 1652 to 1656, 5 bases deleted (TCGCA; older notation c.1652_1656delTCGCA).
Protein change: p.Ile551fs; shifts the reading frame from isoleucine 551.
Molecular consequence: frameshift variant.
Genome position (GRCh38, 1-based): chr11:47,342,125-47,342,129, TGCGA deleted on the plus strand (TCGCA on the coding strand, the reverse complement: MYBPC3 is on the minus strand); deleting any 5 consecutive bases within chr11:47,342,125-47,342,132 gives the same sequence; the c. name uses the placement nearest the transcript's 3' end. VCF-style (leftmost placement, unchanged base first): chr11-47342124-CTGCGA-C. GRCh37 (hg19) VCF-style: chr11-47363675-CTGCGA-C.
Other names: short protein forms I551fs.
Identifiers: ClinVar variation 2570634 (VCV002570634.11), dbSNP rs730880644, ClinGen allele CA010853.